The following is an entry in ClinVar:

ClinVar aggregate classification (germline): Benign (1 of 4 stars; one submission).

Allele frequency attached by ClinVar (database versions not stated): TOPMed 0.17863 and 0.17298; 1000 Genomes Project 0.09724.
gnomAD v4.1: 27,871 of 151,828 alleles (18%); highest among the groups gnomAD compares: Non-Finnish European, 28%; 3,445 homozygotes.

Submission:

GeneDx
Classification: Benign. Last evaluated: 2018-06-14. Review status: criteria provided, single submitter. Criteria: GeneDx Variant Classification (06012015). Collection method: clinical testing. Allele origin: germline. Affected: yes.
Comment: This variant is considered likely benign or benign based on one or more of the following criteria: it is a conservative change, it occurs at a poorly conserved position in the protein, it is predicted to be benign by multiple in silico algorithms, and/or has population frequency not consistent with disease.

NM_000069.3(CACNA1S):c.4798-278G>A

Gene: CACNA1S (calcium voltage-gated channel subunit alpha1 S; minus strand). Cytogenetic location: 1q32.1.
Variant type: single nucleotide variant.
Coding change: c.4798-278G>A on transcript NM_000069.3 (MANE Select); 278 bases into the intron before coding-DNA position 4798, G replaced by A.
Molecular consequence: intron variant.
Genome position (GRCh38, 1-based): chr1:201,043,809, C>T on the plus strand (G>A on the coding strand, the complement: CACNA1S is on the minus strand). VCF-style: chr1-201043809-C-T. GRCh37 (hg19) VCF-style: chr1-201012937-C-T.
Identifiers: ClinVar variation 668058 (VCV000668058.1), dbSNP rs67602696, ClinGen allele CA10931875.